The following is an entry in ClinVar:

ClinVar aggregate classification (germline): Uncertain significance (1 of 4 stars; one submission).

Conditions:
Singleton-Merten syndrome 1 (SGMRT1). Also called: Widened medullary cavities of bone, aortic calcification, abnormal dentition, and muscular weakness; Syndrome of widened medullary cavities of the metacarpals and phalanges, aortic calcification and abnormal dentition. Identifiers: Orphanet 85191, MedGen C4225427, MONDO:0024535, OMIM 182250.
Aicardi-Goutieres syndrome 7 (AGS7). Identifiers: Orphanet 51, MedGen C3888244, MONDO:0014367, OMIM 615846.

Submission:

Labcorp Genetics (formerly Invitae), Labcorp
Classification: Uncertain significance for Aicardi-Goutieres syndrome 7; Singleton-Merten syndrome 1. Last evaluated: 2022-07-26. Review status: criteria provided, single submitter. Criteria: Invitae Variant Classification Sherloc (09022015). Collection method: clinical testing. Allele origin: germline.
Comment: In summary, the available evidence is currently insufficient to determine the role of this variant in disease. Therefore, it has been classified as a Variant of Uncertain Significance. Algorithms developed to predict the effect of missense changes on protein structure and function are either unavailable or do not agree on the potential impact of this missense change (SIFT: "Deleterious"; PolyPhen-2: "Probably Damaging"; Align-GVGD: "Class C0"). ClinVar contains an entry for this variant (Variation ID: 1434280). This variant has not been reported in the literature in individuals affected with IFIH1-related conditions. This variant is not present in population databases (gnomAD no frequency). This sequence change replaces phenylalanine, which is neutral and non-polar, with serine, which is neutral and polar, at codon 373 of the IFIH1 protein (p.Phe373Ser).

NM_022168.4(IFIH1):c.1118T>C (p.Phe373Ser)

Gene: IFIH1 (interferon induced with helicase C domain 1; minus strand). Cytogenetic location: 2q24.2.
Variant type: single nucleotide variant.
Coding change: c.1118T>C on transcript NM_022168.4 (MANE Select); coding-DNA position 1118, T replaced by C.
Protein change: p.Phe373Ser; replaces phenylalanine 373 with serine.
Molecular consequence: missense variant.
Genome position (GRCh38, 1-based): chr2:162,282,554, A>G on the plus strand (T>C on the coding strand, the complement: IFIH1 is on the minus strand). VCF-style: chr2-162282554-A-G. GRCh37 (hg19) VCF-style: chr2-163139064-A-G.
Other names: short protein forms F373S.
Identifiers: ClinVar variation 1434280 (VCV001434280.8), dbSNP rs2105203313, ClinGen allele CA349003164.